The following is an entry in ClinVar:

NM_015443.4(KANSL1):c.749C>T (p.Pro250Leu)

Gene: KANSL1 (KAT8 regulatory NSL complex subunit 1). Cytogenetic location: 17q21.31.
Variant type: single nucleotide variant.
Coding change: c.749C>T on transcript NM_015443.4 (MANE Select); coding-DNA position 749, C replaced by T.
Protein change: p.Pro250Leu; replaces proline 250 with leucine.
Molecular consequence: missense variant. On other transcripts: intron variant (4).
Genome position (GRCh38, 1-based): chr17:46,171,395, G>A on the plus strand (C>T on the coding strand, the complement: KANSL1 is on the minus strand). VCF-style: chr17-46171395-G-A. GRCh37 (hg19) VCF-style: chr17-44248761-G-A.
Other names: c.749C>T, p.Pro250Leu (NM_001405858.1, NM_001405859.1, NM_001405860.1 and 18 more transcripts); c.23+52276C>T (NM_001405885.1, NM_001405884.1, NM_001405883.1 and 1 more transcripts); short protein forms P250L.
Identifiers: ClinVar variation 2647862 (VCV002647862.24), dbSNP rs2545084038, ClinGen allele CA399980874.

ClinVar aggregate classification (germline): Uncertain significance (1 of 4 stars; one submission).

Allele frequency attached by ClinVar (database versions not stated): gnomAD exomes below 0.00001.

Submission:

CeGaT Center for Human Genetics Tuebingen
Classification: Uncertain significance. Last evaluated: 2024-08-01. Review status: criteria provided, single submitter. Criteria: CeGaT Center For Human Genetics Tuebingen Variant Classification Criteria Version 2. Collection method: clinical testing. Allele origin: germline. Affected: yes. Observed: 1 variant allele.
Comment: KANSL1: PM2, BP4